The following is an entry in ClinVar:

NM_004985.5(KRAS):c.181C>A (p.Gln61Lys)

Gene: KRAS (KRAS proto-oncogene, GTPase; minus strand). Cytogenetic location: 12p12.1.
Variant type: single nucleotide variant.
Coding change: c.181C>A on transcript NM_004985.5 (MANE Select); coding-DNA position 181, C replaced by A.
Protein change: p.Gln61Lys; replaces glutamine 61 with lysine.
Molecular consequence: missense variant.
Genome position (GRCh38, 1-based): chr12:25,227,343, G>T on the plus strand (C>A on the coding strand, the complement: KRAS is on the minus strand). VCF-style: chr12-25227343-G-T. GRCh37 (hg19) VCF-style: chr12-25380277-G-T.
Other names: c.181C>A, p.Gln61Lys (NM_001369786.1, NM_001369787.1, NM_033360.4); short protein forms Q61K.
Identifiers: ClinVar variation 177777 (VCV000177777.5), dbSNP rs121913238, ClinGen allele CA180750.
Genomic context (GRCh38, chr12:25,227,343, plus strand): 5'-CACAAAGAAAGCCCTCCCCAGTCCTCATGTACTGGTCCCTCATTGCACTGTACTCCTCTT[G>T]ACCTGCTGTGTCGAGAATATCCAAGAGACAGGTTTCTCCATCAATTACTACTTGCTTCCT-3'
Protein context (NP_004976.2, residues 51-71): CLLDILDTAG[Gln61Lys]EEYSAMRDQY

ClinVar aggregate classification (germline): Pathogenic (1 of 4 stars; one submission).

Conditions:
Non-small cell lung carcinoma (NSCLC). Also called: Non-small cell lung cancer. Identifiers: MedGen C0007131, MeSH D002289, MONDO:0005233, HP:0030358. Disease mechanism: Other.

Submissions (3):

Laboratory for Molecular Medicine, Mass General Brigham Personalized Medicine
Classification: Pathogenic for Non-small cell lung carcinoma. Last evaluated: 2014-08-28. Review status: criteria provided, single submitter. Criteria: LMM Criteria. Collection method: clinical testing. Allele origin: somatic. Observed: 3 variant alleles.
Comment: proposed classification - variant undergoing re-assessment, contact laboratory

Dr. Peter K. Rogan Lab, Western University
No classification provided (evidence only). Condition: Colon adenocarcinoma. Review status: no classification provided. Collection method: in vitro. Allele origin: not applicable. Functional consequence: skipped exon. Not counted in ClinVar's aggregate classification.

Dr. Peter K. Rogan Lab, Western University
No classification provided (evidence only). Condition: Thyroid cancer, nonmedullary, 1. Review status: no classification provided. Collection method: in vitro. Allele origin: not applicable. Functional consequence: retained intron. Not counted in ClinVar's aggregate classification.

Literature cited by the submitters: PubMed 19047918 (cited by Laboratory for Molecular Medicine, Mass General Brigham Personalized Medicine).